The following is an entry in ClinVar:

NM_014804.3(KIAA0753):c.185T>C (p.Leu62Pro)

Gene: KIAA0753 (KIAA0753; minus strand). Cytogenetic location: 17p13.1.
Variant type: single nucleotide variant.
Coding change: c.185T>C on transcript NM_014804.3 (MANE Select); coding-DNA position 185, T replaced by C.
Protein change: p.Leu62Pro; replaces leucine 62 with proline.
Molecular consequence: missense variant. On other transcripts: 5 prime UTR variant (1), non-coding transcript variant (3).
Genome position (GRCh38, 1-based): chr17:6,628,650, A>G on the plus strand (T>C on the coding strand, the complement: KIAA0753 is on the minus strand). VCF-style: chr17-6628650-A-G. GRCh37 (hg19) VCF-style: chr17-6531970-A-G.
Other names: c.-1050T>C (NM_001351225.2); short protein forms L62P.
Identifiers: ClinVar variation 1346488 (VCV001346488.8), dbSNP rs2150908983, ClinGen allele CA397415462.
Genomic context (GRCh38, chr17:6,628,650, plus strand): 5'-TCAGGACCAACTCTACAATCTGCATCTTTACAATGGTATGATTCATTGTATGAGTGCTTC[A>G]GTTTTTCAATTCTAATGGCATGTGGGCAAGAATATCGGATCGCCAAGTTGCTTGAATGTG-3'
Protein context (NP_055619.2, residues 52-72): SCPHAIRIEK[Leu62Pro]KHSYNESYHC

ClinVar aggregate classification (germline): Uncertain significance (1 of 4 stars; one submission).

Submission:

Labcorp Genetics (formerly Invitae), Labcorp
Classification: Uncertain significance. Last evaluated: 2025-04-16. Review status: criteria provided, single submitter. Criteria: Invitae Variant Classification Sherloc (09022015). Collection method: clinical testing. Allele origin: germline.
Comment: This sequence change replaces leucine, which is neutral and non-polar, with proline, which is neutral and non-polar, at codon 62 of the KIAA0753 protein (p.Leu62Pro). This variant is not present in population databases (gnomAD no frequency). This variant has not been reported in the literature in individuals affected with KIAA0753-related conditions. ClinVar contains an entry for this variant (Variation ID: 1346488). An algorithm developed to predict the effect of missense changes on protein structure and function (PolyPhen-2) suggests that this variant is likely to be disruptive. In summary, the available evidence is currently insufficient to determine the role of this variant in disease. Therefore, it has been classified as a Variant of Uncertain Significance.